The following is an entry in ClinVar:

ClinVar aggregate classification (germline): Uncertain significance (1 of 4 stars; one submission).

Allele frequency attached by ClinVar (database versions not stated): gnomAD 0.00001; TOPMed 0.00001.
gnomAD v4.1: 4 of 1,588,642 alleles (0.00025%); highest among the groups gnomAD compares: African/African-American, 0.0041%; no homozygotes.

Submission:

Labcorp Genetics (formerly Invitae), Labcorp
Classification: Uncertain significance. Last evaluated: 2022-08-05. Review status: criteria provided, single submitter. Criteria: Invitae Variant Classification Sherloc (09022015). Collection method: clinical testing. Allele origin: germline.
Comment: This sequence change replaces glycine, which is neutral and non-polar, with arginine, which is basic and polar, at codon 765 of the MYO18B protein (p.Gly765Arg). This variant is not present in population databases (gnomAD no frequency). This variant has not been reported in the literature in individuals affected with MYO18B-related conditions. Algorithms developed to predict the effect of missense changes on protein structure and function are either unavailable or do not agree on the potential impact of this missense change (SIFT: "Not Available"; PolyPhen-2: "Probably Damaging"; Align-GVGD: "Not Available"). In summary, the available evidence is currently insufficient to determine the role of this variant in disease. Therefore, it has been classified as a Variant of Uncertain Significance.

NM_032608.7(MYO18B):c.2293G>A (p.Gly765Arg)

Gene: MYO18B (myosin XVIIIB; plus strand). Cytogenetic location: 22q12.1.
Variant type: single nucleotide variant.
Coding change: c.2293G>A on transcript NM_032608.7 (MANE Select); coding-DNA position 2293, G replaced by A.
Protein change: p.Gly765Arg; replaces glycine 765 with arginine.
Molecular consequence: missense variant.
Genome position (GRCh38, 1-based): chr22:25,781,815, G>A. VCF-style: chr22-25781815-G-A. GRCh37 (hg19) VCF-style: chr22-26177782-G-A.
Other names: c.2293G>A, p.Gly765Arg (NM_001318245.2); short protein forms G765R.
Identifiers: ClinVar variation 1975771 (VCV001975771.2), dbSNP rs1333402787, ClinGen allele CA410994120.